The following is an entry in ClinVar:

ClinVar aggregate classification (germline): Uncertain significance (1 of 4 stars; one submission).

Conditions:
Deficiency of hyaluronoglucosaminidase (MPS9). Also called: MPS IX; HYALURONIDASE DEFICIENCY; Mucopolysaccharidosis type 9. Identifiers: Orphanet 67041, MedGen C1291490, MONDO:0011093, OMIM 601492.

Allele frequency attached by ClinVar (database versions not stated): gnomAD exomes 0.00001; ExAC 0.00002; gnomAD 0.00002; TOPMed 0.00002; ESP Exome Variant Server 0.00008.

Submission:

Labcorp Genetics (formerly Invitae), Labcorp
Classification: Uncertain significance for Deficiency of hyaluronoglucosaminidase. Last evaluated: 2022-05-04. Review status: criteria provided, single submitter. Criteria: Invitae Variant Classification Sherloc (09022015). Collection method: clinical testing. Allele origin: germline.
Comment: This sequence change replaces serine, which is neutral and polar, with asparagine, which is neutral and polar, at codon 245 of the HYAL1 protein (p.Ser245Asn). This variant is present in population databases (rs376502179, gnomAD 0.004%). This variant has not been reported in the literature in individuals affected with HYAL1-related conditions. Algorithms developed to predict the effect of missense changes on protein structure and function (SIFT, PolyPhen-2, Align-GVGD) all suggest that this variant is likely to be tolerated. In summary, the available evidence is currently insufficient to determine the role of this variant in disease. Therefore, it has been classified as a Variant of Uncertain Significance.

NM_033159.4(HYAL1):c.734G>A (p.Ser245Asn)

Gene: HYAL1 (hyaluronidase 1; minus strand). Cytogenetic location: 3p21.31.
Variant type: single nucleotide variant.
Coding change: c.734G>A on transcript NM_033159.4 (MANE Select); coding-DNA position 734, G replaced by A.
Protein change: p.Ser245Asn; replaces serine 245 with asparagine.
Molecular consequence: missense variant. On other transcripts: non-coding transcript variant (1), intron variant (1).
Genome position (GRCh38, 1-based): chr3:50,302,223, C>T on the plus strand (G>A on the coding strand, the complement: HYAL1 is on the minus strand). VCF-style: chr3-50302223-C-T. GRCh37 (hg19) VCF-style: chr3-50339654-C-T.
Other names: c.734G>A, p.Ser245Asn (NM_153281.2, NM_153282.3); c.188G>A, p.Ser63Asn (NM_153283.3); c.-26-18G>A (NM_153285.3); short protein forms S63N, S245N.
Identifiers: ClinVar variation 1509806 (VCV001509806.5), dbSNP rs376502179, ClinGen allele CA2415881.